The following is an entry in ClinVar:

NM_006506.5(RASA2):c.1033T>C (p.Ser345Pro)

Gene: RASA2 (RAS p21 protein activator 2; plus strand). Cytogenetic location: 3q23.
Variant type: single nucleotide variant.
Coding change: c.1033T>C on transcript NM_006506.5 (MANE Select); coding-DNA position 1033, T replaced by C.
Protein change: p.Ser345Pro; replaces serine 345 with proline.
Molecular consequence: missense variant.
Genome position (GRCh38, 1-based): chr3:141,571,418, T>C. VCF-style: chr3-141571418-T-C. GRCh37 (hg19) VCF-style: chr3-141290260-T-C.
Other names: c.1033T>C, p.Ser345Pro (NM_001303245.3, NM_001303246.3); short protein forms S345P.
Identifiers: ClinVar variation 2866873 (VCV002866873.3), dbSNP rs2478713036, ClinGen allele CA354775810.

ClinVar aggregate classification (germline): Uncertain significance (1 of 4 stars; one submission).

Allele frequency attached by ClinVar (database versions not stated): gnomAD exomes below 0.00001.
gnomAD v4.1: 1 of 1,613,116 alleles (0.000062%); highest among the groups gnomAD compares: Non-Finnish European, 0.000085%; no homozygotes.

Submission:

Labcorp Genetics (formerly Invitae), Labcorp
Classification: Uncertain significance. Last evaluated: 2023-05-22. Review status: criteria provided, single submitter. Criteria: Invitae Variant Classification Sherloc (09022015). Collection method: clinical testing. Allele origin: germline.
Comment: This sequence change replaces serine, which is neutral and polar, with proline, which is neutral and non-polar, at codon 345 of the RASA2 protein (p.Ser345Pro). This variant is not present in population databases (gnomAD no frequency). This variant has not been reported in the literature in individuals affected with RASA2-related conditions. Advanced modeling of protein sequence and biophysical properties (such as structural, functional, and spatial information, amino acid conservation, physicochemical variation, residue mobility, and thermodynamic stability) performed at Invitae indicates that this missense variant is expected to disrupt RASA2 protein function. In summary, the available evidence is currently insufficient to determine the role of this variant in disease. Therefore, it has been classified as a Variant of Uncertain Significance.